The following is an entry in ClinVar:

ClinVar aggregate classification (germline): Uncertain significance. Review status: criteria provided, multiple submitters, no conflicts (2 of 4 stars). 2 submissions from 2 submitters: Uncertain significance (2). Last evaluated 2026-03-06.

Conditions:
Hereditary cancer-predisposing syndrome. Also called: Neoplastic Syndromes, Hereditary; Tumor predisposition; Hereditary Cancer Syndrome; Hereditary neoplastic syndrome. Identifiers: Orphanet 140162, MedGen C0027672, MeSH D009386, MONDO:0015356.

Submissions (2):

Ambry Genetics
Classification: Uncertain significance for Hereditary cancer-predisposing syndrome. Last evaluated: 2026-03-06. Review status: criteria provided, single submitter. Criteria: Ambry Variant Classification Scheme 2023. Collection method: clinical testing. Allele origin: germline.
Comment: The c.5206_5214delGTCAACACC variant (also known as p.V1736_T1738del) is located in coding exon 39 of the POLE gene. This variant results from an in-frame GTCAACACC deletion at nucleotide positions 5206 to 5214. This results in the in-frame deletion of 3 amino acids (VNT) at codons 1736 to 1738. These amino acid positions are highly conserved in available vertebrate species. In addition, this variant is predicted to be deleterious by in silico analysis (Choi Y et al. PLoS ONE. 2012; 7(10):e46688). Based on the available evidence, the clinical significance of this variant remains unclear.

Labcorp Genetics (formerly Invitae), Labcorp
Classification: Uncertain significance. Last evaluated: 2025-07-22. Review status: criteria provided, single submitter. Criteria: Invitae Variant Classification Sherloc (09022015). Collection method: clinical testing. Allele origin: germline.
Comment: This variant, c.5206_5214del, results in the deletion of 3 amino acid(s) of the POLE protein (p.Val1736_Thr1738del), but otherwise preserves the integrity of the reading frame. This variant is not present in population databases (gnomAD no frequency). This variant has not been reported in the literature in individuals affected with POLE-related conditions. Experimental studies and prediction algorithms are not available or were not evaluated, and the functional significance of this variant is currently unknown. In summary, the available evidence is currently insufficient to determine the role of this variant in disease. Therefore, it has been classified as a Variant of Uncertain Significance.

NM_006231.4(POLE):c.5206_5214del (p.Val1736_Thr1738del)

Gene: POLE (DNA polymerase epsilon, catalytic subunit; minus strand). Cytogenetic location: 12q24.33.
Variant type: Deletion.
Coding change: c.5206_5214del on transcript NM_006231.4 (MANE Select); coding-DNA positions 5206 to 5214, 9 bases deleted (GTCAACACC; older notation c.5206_5214delGTCAACACC).
Protein change: p.Val1736_Thr1738del.
Molecular consequence: inframe deletion.
Genome position (GRCh38, 1-based): chr12:132,641,811-132,641,819, GGTGTTGAC deleted on the plus strand (GTCAACACC on the coding strand, the reverse complement: POLE is on the minus strand); deleting any 9 consecutive bases within chr12:132,641,811-132,641,821 gives the same sequence; the c. name uses the placement nearest the transcript's 3' end. VCF-style (leftmost placement, unchanged base first): chr12-132641810-TGGTGTTGAC-T. GRCh37 (hg19) VCF-style: chr12-133218396-TGGTGTTGAC-T.
Other names: c.5206_5214delGTCAACACC (NM_006231.2).
Identifiers: ClinVar variation 4723692 (VCV004723692.2).
Genomic context (GRCh38, chr12:132,641,810, plus strand): 5'-CGAAGCTGATCCCCATGCTGTCGGCCCCCTCCATGTCGTTGACATGGTGAGACTGGAGAA[TGGTGTTGAC>T]GGCCAGGTTCTGAAGGTCCAGCTCCACACACACTGCACAGGAAGACGCCATGCTCAGCCA-3'